The following is an entry in ClinVar:

ClinVar aggregate classification (germline): Likely benign (1 of 4 stars; one submission).

Conditions:
DGKQ-related disorder. Also called: DGKQ-related condition.

gnomAD v4.1: 23 of 1,609,654 alleles (0.0014%); highest among the groups gnomAD compares: East Asian, 0.0045%; no homozygotes.

Submission:

PreventionGenetics, part of Exact Sciences
Classification: Likely benign for DGKQ-related condition. Last evaluated: 2026-09-13. Review status: criteria provided, single submitter. Criteria: ACMG Guidelines, 2015. Collection method: clinical testing. Allele origin: germline.
Comment: This variant is classified as likely benign based on ACMG/AMP sequence variant interpretation guidelines (Richards et al. 2015 PMID: 25741868, with internal and published modifications).

NM_001347.4(DGKQ):c.2082C>T (p.Gly694=)

Gene: DGKQ (diacylglycerol kinase theta; minus strand). Cytogenetic location: 4p16.3.
Variant type: single nucleotide variant.
Coding change: c.2082C>T on transcript NM_001347.4 (MANE Select); coding-DNA position 2082, C replaced by T.
Protein change: p.Gly694=; no amino-acid change (glycine 694 retained).
Molecular consequence: synonymous variant.
Genome position (GRCh38, 1-based): chr4:962,567, G>A on the plus strand (C>T on the coding strand, the complement: DGKQ is on the minus strand). VCF-style: chr4-962567-G-A. GRCh37 (hg19) VCF-style: chr4-956355-G-A.
Identifiers: ClinVar variation 4977162 (VCV004977162.1).